The following is an entry in ClinVar:

NM_000038.6(APC):c.1548+294G>T

Gene: APC (APC regulator of WNT signaling pathway; plus strand). Cytogenetic location: 5q22.2.
Variant type: single nucleotide variant.
Coding change: c.1548+294G>T on transcript NM_000038.6 (MANE Select); 294 bases into the intron after coding-DNA position 1548, G replaced by T.
Molecular consequence: intron variant.
Genome position (GRCh38, 1-based): chr5:112,827,541, G>T. VCF-style: chr5-112827541-G-T. GRCh37 (hg19) VCF-style: chr5-112163238-G-T.
Other names: c.1548+294G>T (NM_001354895.2, NM_001127510.3); c.1578+294G>T (NM_001354897.2); c.1275+294G>T (NM_001354902.2); c.1494+294G>T (NM_001127511.3); c.1473+294G>T (NM_001354898.2); c.1170+294G>T (NM_001354904.2); c.699+294G>T (NM_001354906.2); c.1602+294G>T (NM_001354896.2); and 5 more.
Identifiers: ClinVar variation 82584 (VCV000082584.2), dbSNP rs74747084, ClinGen allele CA005282.

ClinVar aggregate classification (germline): other (0 of 4 stars; one submission).

Conditions:
Familial colorectal cancer. Identifiers: MedGen CN280943, MONDO:0023113. Disease mechanism: loss of function.

Allele frequency attached by ClinVar (database versions not stated): gnomAD below 0.00001 and 0.00001; TOPMed 0.00001.
gnomAD v4.1: 2 of 151,972 alleles (0.0013%); highest among the groups gnomAD compares: South Asian, 0.041%; no homozygotes.

Submission:

Systems Biology Platform Zhejiang California International NanoSystems Institute
Classification: other for Familial colorectal cancer. Review status: no assertion criteria provided. Collection method: not provided. Allele origin: unknown.
ClinVar note: Converted during submission from cancer to other.